The following is an entry in ClinVar:

ClinVar aggregate classification (germline): Likely benign. Review status: criteria provided, multiple submitters, no conflicts (2 of 4 stars). 3 submissions from 3 submitters: Likely benign (3). Last evaluated 2023-11-13.

Conditions:
Gastrointestinal stromal tumor. Also called: Gastrointestinal stromal tumor, somatic; Gastrointestinal stroma tumor. Identifiers: Orphanet 44890, MedGen C0238198, MeSH D046152, MONDO:0011719, OMIM 606764, HP:0100723.
Pheochromocytoma/paraganglioma syndrome 4. Also called: SDHB-Related Hereditary Paraganglioma-Pheochromocytoma Syndrome (Paragangliomas 4); SDHB-Related Hereditary Paraganglioma-Pheochromocytoma Syndrome; CAROTID BODY TUMORS AND MULTIPLE EXTRAADRENAL PHEOCHROMOCYTOMAS; PARAGANGLIOMA, FAMILIAL MALIGNANT; PARAGANGLIOMAS, HEREDITARY EXTRAADRENAL; PHEOCHROMOCYTOMA, FAMILIAL EXTRAADRENAL. Identifiers: Orphanet 29072, MedGen C1861848, MONDO:0007273, OMIM 115310.
Pheochromocytoma. Also called: MAX-Related Hereditary Paraganglioma-Pheochromocytoma Syndrome. Identifiers: Orphanet 29072, MedGen C0031511, MONDO:0008233, OMIM 171300, HP:0002666.
Hereditary cancer-predisposing syndrome. Also called: Neoplastic Syndromes, Hereditary; Hereditary Cancer Syndrome; Hereditary neoplastic syndrome; Tumor predisposition. Identifiers: Orphanet 140162, MedGen C0027672, MeSH D009386, MONDO:0015356.
Hereditary pheochromocytoma and paraganglioma. Also called: Hereditary pheochromocytoma-paraganglioma; Hereditary Paraganglioma-Pheochromocytoma Syndromes; Hereditary paragangliomas and pheochromocytomas. Identifiers: Orphanet 29072, MedGen C4274332, MONDO:0017366.

Allele frequency attached by ClinVar (database versions not stated): gnomAD exomes below 0.00001 and 0.00001; ExAC 0.00001.
gnomAD v4.1: 4 of 1,612,960 alleles (0.00025%); no homozygotes.

Submissions (3):

Ambry Genetics
Classification: Likely benign for Hereditary cancer-predisposing syndrome. Last evaluated: 2023-11-13. Review status: criteria provided, single submitter. Criteria: Ambry Variant Classification Scheme 2023. Collection method: clinical testing. Allele origin: germline.

Labcorp Genetics (formerly Invitae), Labcorp
Classification: Likely benign for Gastrointestinal stromal tumor; Pheochromocytoma/paraganglioma syndrome 4; Pheochromocytoma. Last evaluated: 2023-10-13. Review status: criteria provided, single submitter. Criteria: Invitae Variant Classification Sherloc (09022015). Collection method: clinical testing. Allele origin: germline.

All of Us Research Program, National Institutes of Health
Classification: Likely benign for Hereditary pheochromocytoma and paraganglioma. Last evaluated: 2023-04-28. Review status: criteria provided, single submitter. Criteria: ACMG Guidelines, 2015. Collection method: clinical testing. Allele origin: germline. Inheritance: Autosomal dominant inheritance. Observed: 1 variant allele, 1 heterozygote.
Comment: This study involves interpretation of variants in research participants for the purpose of population health screening. Participant phenotype was not available at the time of variant classification. Additional details can be found in publication PMID: 35346344, PMCID: PMC8962531

NM_003000.3(SDHB):c.643-4C>G

Gene: SDHB (succinate dehydrogenase complex iron sulfur subunit B; minus strand). Cytogenetic location: 1p36.13.
Variant type: single nucleotide variant.
Coding change: c.643-4C>G on transcript NM_003000.3 (MANE Select); 4 bases into the intron before coding-DNA position 643, C replaced by G.
Molecular consequence: intron variant.
Genome position (GRCh38, 1-based): chr1:17,022,734, G>C on the plus strand (C>G on the coding strand, the complement: SDHB is on the minus strand). VCF-style: chr1-17022734-G-C. GRCh37 (hg19) VCF-style: chr1-17349229-G-C.
Identifiers: ClinVar variation 745505 (VCV000745505.13), dbSNP rs748796588, ClinGen allele CA089697.